The following is an entry in ClinVar:

ClinVar aggregate classification (germline): Uncertain significance (1 of 4 stars; one submission).

Conditions:
KBG syndrome (KBGS). Also called: ANKRD11-Related KBG Syndrome. Identifiers: Orphanet 2332, MedGen C0220687, MONDO:0007846, OMIM 148050.

Allele frequency attached by ClinVar (database versions not stated): gnomAD exomes below 0.00001.
gnomAD v4.1: 1 of 1,564,824 alleles (0.000064%); highest among the groups gnomAD compares: Non-Finnish European, 0.000087%; no homozygotes.

Submission:

Labcorp Genetics (formerly Invitae), Labcorp
Classification: Uncertain significance for KBG syndrome. Last evaluated: 2022-05-05. Review status: criteria provided, single submitter. Criteria: Invitae Variant Classification Sherloc (09022015). Collection method: clinical testing. Allele origin: germline.
Comment: This variant is not present in population databases (gnomAD no frequency). This sequence change replaces alanine, which is neutral and non-polar, with threonine, which is neutral and polar, at codon 2618 of the ANKRD11 protein (p.Ala2618Thr). This variant has not been reported in the literature in individuals affected with ANKRD11-related conditions. In summary, the available evidence is currently insufficient to determine the role of this variant in disease. Therefore, it has been classified as a Variant of Uncertain Significance. Advanced modeling of protein sequence and biophysical properties (such as structural, functional, and spatial information, amino acid conservation, physicochemical variation, residue mobility, and thermodynamic stability) performed at Invitae indicates that this missense variant is expected to disrupt ANKRD11 protein function.

NM_013275.6(ANKRD11):c.7852G>A (p.Ala2618Thr)

Gene: ANKRD11 (ankyrin repeat domain 11; minus strand). Cytogenetic location: 16q24.3.
Variant type: single nucleotide variant.
Coding change: c.7852G>A on transcript NM_013275.6 (MANE Select); coding-DNA position 7852, G replaced by A.
Protein change: p.Ala2618Thr; replaces alanine 2618 with threonine.
Molecular consequence: missense variant.
Genome position (GRCh38, 1-based): chr16:89,268,618, C>T on the plus strand (G>A on the coding strand, the complement: ANKRD11 is on the minus strand). VCF-style: chr16-89268618-C-T. GRCh37 (hg19) VCF-style: chr16-89335026-C-T.
Other names: c.7852G>A, p.Ala2618Thr (NM_001256182.2, NM_001256183.2); short protein forms A2618T.
Identifiers: ClinVar variation 2134432 (VCV002134432.4), dbSNP rs2544117003, ClinGen allele CA397145245.